The following is an entry in ClinVar:

ClinVar aggregate classification (germline): Pathogenic. Review status: reviewed by expert panel (3 of 4 stars). 5 submissions from 5 submitters: Pathogenic (1). 4 of the submissions do not count toward it. Last evaluated 2016-10-18.

Conditions:
Hereditary breast ovarian cancer syndrome. Also called: Hereditary breast and ovarian cancer syndrome (HBOC); Breast and ovarian cancer; Hereditary breast and ovarian cancer syndrome; Hereditary breast and ovarian cancer; BRCA1- and BRCA2-Associated Hereditary Breast and Ovarian Cancer; Hereditary breast and/or ovarian cancer syndrome. Identifiers: Orphanet 145, MedGen C0677776, MeSH D061325, MONDO:0003582. Disease mechanism: loss of function.
Hereditary cancer-predisposing syndrome. Also called: Hereditary Cancer Syndrome; Neoplastic Syndromes, Hereditary; Hereditary neoplastic syndrome; Tumor predisposition. Identifiers: Orphanet 140162, MedGen C0027672, MeSH D009386, MONDO:0015356.
Breast-ovarian cancer, familial, susceptibility to, 1 (BROVCA1). Also called: BRCA1 Hereditary Breast and Ovarian Cancer; OVARIAN CANCER, SUSCEPTIBILITY TO. Identifiers: Orphanet 145, MedGen C2676676, MONDO:0011450, OMIM 604370. Disease mechanism: loss of function.

Submissions (5):

Evidence-based Network for the Interpretation of Germline Mutant Alleles (ENIGMA)
Classification: Pathogenic for Breast-ovarian cancer, familial, susceptibility to, 1. Last evaluated: 2016-10-18. Review status: reviewed by expert panel. Criteria: ENIGMA BRCA1/2 Classification Criteria (2015). Collection method: curation. Allele origin: germline.
Comment: Variant allele predicted to encode a truncated non-functional protein.

Labcorp Genetics (formerly Invitae), Labcorp
Classification: Pathogenic for Hereditary breast ovarian cancer syndrome. Last evaluated: 2024-10-16. Review status: criteria provided, single submitter. Criteria: Invitae Variant Classification Sherloc (09022015). Collection method: clinical testing. Allele origin: germline. Not counted in ClinVar's aggregate classification.
Comment: This sequence change creates a premature translational stop signal (p.Cys1787Trpfs*42) in the BRCA1 gene. While this is not anticipated to result in nonsense mediated decay, it is expected to disrupt the last 77 amino acid(s) of the BRCA1 protein. This variant is not present in population databases (gnomAD no frequency). This premature translational stop signal has been observed in individual(s) with breast cancer (PMID: 27553291, 35377489). ClinVar contains an entry for this variant (Variation ID: 266550). This variant disrupts the C-terminal end of the BRCA1 protein partially including the BRCT domain (residues 1646-1859), which is important for DNA repair activity (PMID: 11573086, 14576433, 15133503, 25652403). While functional studies have not been performed to directly test the effect on BRCA1 protein function, this suggests that disruption of the C-terminal portion of the protein is functionally important. A different truncation (p.Tyr1853*) that lies downstream of this variant has been determined to be pathogenic (PMID: 21922593, 10811118, 11739404, 12400015, 7894493, internal data). This suggests that variants that disrupt this region of the protein are likely to be causative of disease. For these reasons, this variant has been classified as Pathogenic.

Ambry Genetics
Classification: Pathogenic for Hereditary cancer-predisposing syndrome. Last evaluated: 2024-07-07. Review status: criteria provided, single submitter. Criteria: Ambry Variant Classification Scheme 2023. Collection method: clinical testing. Allele origin: germline. Not counted in ClinVar's aggregate classification.
Comment: The c.5361_5362delTG pathogenic mutation, located in coding exon 20 of the BRCA1 gene, results from a deletion of two nucleotides at nucleotide positions 5361 to 5362, causing a translational frameshift with a predicted alternate stop codon (p.C1787Wfs*42). This alteration occurs at the 3' terminus of theBRCA1 gene, is not expected to trigger nonsense-mediated mRNAdecay and only impacts the last 4% of the protein. However, frameshifts are typically deleterious in nature and the impacted region is critical for protein function (Ambry internal data). In addition, this variant is considered to be rare based on population cohorts in the Genome Aggregation Database (gnomAD). Based on the supporting evidence, this alteration is interpreted as a disease-causing mutation.

Consortium of Investigators of Modifiers of BRCA1/2 (CIMBA), c/o University of Cambridge
Classification: Pathogenic for Breast-ovarian cancer, familial, susceptibility to, 1. Last evaluated: 2015-10-02. Review status: criteria provided, single submitter. Criteria: CIMBA Mutation Classification guidelines May 2016. Collection method: clinical testing. Allele origin: germline. Not counted in ClinVar's aggregate classification.

Neuberg Centre For Genomic Medicine, NCGM
Classification: Pathogenic for Breast-ovarian cancer, familial, susceptibility to, 1. Review status: criteria provided, single submitter. Criteria: ACMG Guidelines, 2015. Collection method: clinical testing. Allele origin: germline. Inheritance: Autosomal dominant inheritance. Affected: yes. Not counted in ClinVar's aggregate classification.
Comment: The c.5361_5362del (p.Cys1787TrpfsTer42) frameshift variant has been reported previously in individuals affected with breast/ovarian cancer (Rashid et al., 2019). The p.Cys1787TrpfsTer42 variant is novel (not in any individuals) in gnomAD Exomes and is novel (not in any individuals) in 1000 Genomes. This variant has been reported to the ClinVar database as Pathogenic. This variant causes a frameshift starting with codon Cysteine 1787, changes this amino acid to Tryptophan residue, and creates a premature Stop codon at position 42 of the new reading frame, denoted p.Cys1787TrpfsTer42. This variant is predicted to cause loss of normal protein function through protein truncation. Loss of function variants have been previously reported to be disease causing. For these reasons, this variant has been classified as Pathogenic.

Literature cited by the submitters: PubMed 27553291 (cited by Labcorp Genetics (formerly Invitae), Labcorp); PubMed 35377489 (cited by Labcorp Genetics (formerly Invitae), Labcorp); PubMed 11573086 (cited by Labcorp Genetics (formerly Invitae), Labcorp); PubMed 14576433 (cited by Labcorp Genetics (formerly Invitae), Labcorp); PubMed 15133503 (cited by Labcorp Genetics (formerly Invitae), Labcorp); PubMed 25652403 (cited by Labcorp Genetics (formerly Invitae), Labcorp); PubMed 21922593 (cited by Labcorp Genetics (formerly Invitae), Labcorp); PubMed 10811118 (cited by Labcorp Genetics (formerly Invitae), Labcorp); PubMed 11739404 (cited by Labcorp Genetics (formerly Invitae), Labcorp); PubMed 12400015 (cited by Labcorp Genetics (formerly Invitae), Labcorp); PubMed 7894493 (cited by Labcorp Genetics (formerly Invitae), Labcorp).

NM_007294.4(BRCA1):c.5361_5362del (p.Cys1787fs)

Gene: BRCA1 (BRCA1 DNA repair associated; minus strand). Cytogenetic location: 17q21.31.
Variant type: Microsatellite.
Coding change: c.5361_5362del on transcript NM_007294.4 (MANE Select); coding-DNA positions 5361 to 5362, 2 bases deleted (TG; older notation c.5361_5362delTG).
Protein change: p.Cys1787fs; shifts the reading frame from cysteine 1787.
Molecular consequence: frameshift variant. On other transcripts: non-coding transcript variant (1), intron variant (1).
Genome position (GRCh38, 1-based): chr17:43,049,165-43,049,166, CA deleted on the plus strand (TG on the coding strand, the reverse complement: BRCA1 is on the minus strand); deleting any 2 consecutive bases within chr17:43,049,165-43,049,170 gives the same sequence; the c. name uses the placement nearest the transcript's 3' end. VCF-style (leftmost placement, unchanged base first): chr17-43049164-CCA-C. GRCh37 (hg19) VCF-style: chr17-41201181-CCA-C.
Other names: 5480delTG-ter1828; c.5361_5362delTG (NM_007294.3); c.5144_5145TG[2], p.Cys1716Trpfs (NM_001407571.1, NM_001407894.1, NM_001407895.1 and 12 more transcripts); c.5423_5424TG[2], p.Cys1809Trpfs (NM_001407581.1, NM_001407582.1); c.5420_5421TG[2], p.Cys1808Trpfs (NM_001407583.1, NM_001407585.1, NM_001407587.1); c.5417_5418TG[2], p.Cys1807Trpfs (NM_001407590.1, NM_001407591.1); c.5357_5358TG[2], p.Cys1787Trpfs (NM_001407593.1, NM_001407594.1, NM_001407596.1 and 5 more transcripts); c.5354_5355TG[2], p.Cys1786Trpfs (NM_001407610.1, NM_001407611.1, NM_001407612.1 and 14 more transcripts); and 77 more; short protein forms C1787fs, C1808fs, C683fs, C1740fs.
Identifiers: ClinVar variation 266550 (VCV000266550.14), dbSNP rs886040294, ClinGen allele CA10589594.